The following is an entry in ClinVar:

NM_003072.5(SMARCA4):c.4391A>G (p.Lys1464Arg)

Gene: SMARCA4 (SWI/SNF related BAF chromatin remodeling complex subunit ATPase 4; plus strand). Cytogenetic location: 19p13.2.
Variant type: single nucleotide variant.
Coding change: c.4391A>G on transcript NM_003072.5 (MANE Select); coding-DNA position 4391, A replaced by G.
Protein change: p.Lys1464Arg; replaces lysine 1464 with arginine.
Molecular consequence: missense variant. On other transcripts: non-coding transcript variant (1).
Genome position (GRCh38, 1-based): chr19:11,041,527, A>G. VCF-style: chr19-11041527-A-G. GRCh37 (hg19) VCF-style: chr19-11152203-A-G.
Other names: c.4391A>G, p.Lys1464Arg (NM_001128844.3); c.4301A>G, p.Lys1434Arg (NM_001128845.2, NM_001128846.2); c.4292A>G, p.Lys1431Arg (NM_001128847.4, NM_001128848.2, NM_001374457.1); c.4487A>G, p.Lys1496Arg (NM_001128849.3, NM_001387283.1); short protein forms K1496R, K1434R, K1431R, K1464R.
Identifiers: ClinVar variation 484973 (VCV000484973.18), dbSNP rs1555788352, ClinGen allele CA404074115.

ClinVar aggregate classification (germline): Uncertain significance. Review status: criteria provided, multiple submitters, no conflicts (2 of 4 stars). 4 submissions from 4 submitters: Uncertain significance (4). Last evaluated 2025-03-22.

Conditions:
Rhabdoid tumor predisposition syndrome 2 (RTPS2). Identifiers: Orphanet 231108, Orphanet 69077, MedGen C2750074, MONDO:0013224, OMIM 613325.
Intellectual disability, autosomal dominant 16 (CSS4). Also called: COFFIN-SIRIS SYNDROME 4. Identifiers: Orphanet 1465, MedGen C3553249, MONDO:0013821, OMIM 614609.
Hereditary cancer-predisposing syndrome. Also called: Neoplastic Syndromes, Hereditary; Tumor predisposition; Hereditary Cancer Syndrome; Hereditary neoplastic syndrome. Identifiers: Orphanet 140162, MedGen C0027672, MeSH D009386, MONDO:0015356.

Allele frequency attached by ClinVar (database versions not stated): gnomAD exomes below 0.00001; TOPMed below 0.00001.
gnomAD v4.1: 1 of 1,613,736 alleles (0.000062%); highest among the groups gnomAD compares: Non-Finnish European, 0.000085%; no homozygotes.

Submissions (4):

Ambry Genetics
Classification: Uncertain significance for Hereditary cancer-predisposing syndrome. Last evaluated: 2025-03-22. Review status: criteria provided, single submitter. Criteria: Ambry Variant Classification Scheme 2023. Collection method: clinical testing. Allele origin: germline.
Comment: The p.K1496R variant (also known as c.4487A>G), located in coding exon 30 of the SMARCA4 gene, results from an A to G substitution at nucleotide position 4487. The lysine at codon 1496 is replaced by arginine, an amino acid with highly similar properties. This amino acid position is well conserved in available vertebrate species. In addition, this alteration is predicted to be tolerated by in silico analysis. Since supporting evidence is limited at this time, the clinical significance of this alteration remains unclear.

Quest Diagnostics Nichols Institute San Juan Capistrano
Classification: Uncertain significance. Last evaluated: 2023-09-07. Review status: criteria provided, single submitter. Criteria: Quest Diagnostics criteria. Collection method: clinical testing. Allele origin: unknown.
Comment: This variant has not been reported in the published literature. It also has not been reported in large, multi-ethnic general populations (Genome Aggregation Database). Analysis of this variant using bioinformatics tools for the prediction of the effect of amino acid changes on protein structure and function yielded conflicting predictions that this variant is benign or damaging. Based on the available information, we are unable to determine the clinical significance of this variant.

Labcorp Genetics (formerly Invitae), Labcorp
Classification: Uncertain significance for Rhabdoid tumor predisposition syndrome 2. Last evaluated: 2023-05-14. Review status: criteria provided, single submitter. Criteria: Invitae Variant Classification Sherloc (09022015). Collection method: clinical testing. Allele origin: germline.
Comment: In summary, the available evidence is currently insufficient to determine the role of this variant in disease. Therefore, it has been classified as a Variant of Uncertain Significance. Advanced modeling of protein sequence and biophysical properties (such as structural, functional, and spatial information, amino acid conservation, physicochemical variation, residue mobility, and thermodynamic stability) performed at Invitae indicates that this missense variant is not expected to disrupt SMARCA4 protein function. ClinVar contains an entry for this variant (Variation ID: 484973). This variant has not been reported in the literature in individuals affected with SMARCA4-related conditions. This variant is not present in population databases (gnomAD no frequency). This sequence change replaces lysine, which is basic and polar, with arginine, which is basic and polar, at codon 1496 of the SMARCA4 protein (p.Lys1496Arg).

Genome-Nilou Lab
Classification: Uncertain significance for Intellectual disability, autosomal dominant 16. Last evaluated: 2021-07-15. Review status: criteria provided, single submitter. Criteria: ACMG Guidelines, 2015. Collection method: clinical testing. Allele origin: germline. Affected: no.